The following is an entry in ClinVar:

NM_003978.5(PSTPIP1):c.355-2A>G

Gene: PSTPIP1 (proline-serine-threonine phosphatase interacting protein 1; plus strand). Cytogenetic location: 15q24.3.
Variant type: single nucleotide variant.
Coding change: c.355-2A>G on transcript NM_003978.5 (MANE Select); the canonical splice acceptor site of the intron before coding-DNA position 355, A replaced by G.
Molecular consequence: splice acceptor variant.
Genome position (GRCh38, 1-based): chr15:77,027,850, A>G. VCF-style: chr15-77027850-A-G. GRCh37 (hg19) VCF-style: chr15-77320191-A-G.
Other names: c.550-2A>G (NM_001321137.1); c.328-2A>G (NM_001321136.2); c.355-2A>G (NM_001321135.2, NM_001411086.1).
Identifiers: ClinVar variation 2747045 (VCV002747045.3), dbSNP rs2542817595, ClinGen allele CA393519511.
Genomic context (GRCh38, chr15:77,027,850, plus strand): 5'-CTTGGCCTAGGGGAGCCTCCCGAGGCCGCGGCCCTCGGCTCAGAACCTCGTGTCCCCTGC[A>G]GTATGAGGCCGTCATGGACCGGGTCCAGAAGAGCAAGCTGTCGCTCTACAAGAAGGCCAT-3'

ClinVar aggregate classification (germline): Uncertain significance (1 of 4 stars; one submission).

Conditions:
Pyogenic arthritis-pyoderma gangrenosum-acne syndrome (PAPA). Also called: PAPA SYNDROME; FAMILIAL RECURRENT ARTHRITIS. Identifiers: Orphanet 69126, MedGen C1858361, MONDO:0011462, OMIM 604416.

Allele frequency attached by ClinVar (database versions not stated): gnomAD exomes below 0.00001.
gnomAD v4.1: 1 of 1,564,972 alleles (0.000064%); highest among the groups gnomAD compares: South Asian, 0.0012%; no homozygotes.

Submission:

Labcorp Genetics (formerly Invitae), Labcorp
Classification: Uncertain significance for Pyogenic arthritis-pyoderma gangrenosum-acne syndrome. Last evaluated: 2023-07-26. Review status: criteria provided, single submitter. Criteria: Invitae Variant Classification Sherloc (09022015). Collection method: clinical testing. Allele origin: germline.
Comment: This sequence change affects an acceptor splice site in intron 5 of the PSTPIP1 gene. It is expected to disrupt RNA splicing. Variants that disrupt the donor or acceptor splice site typically lead to a loss of protein function (PMID: 16199547), however the current clinical and genetic evidence is not sufficient to establish whether loss-of-function variants in PSTPIP1 cause disease. This variant is not present in population databases (gnomAD no frequency). This variant has not been reported in the literature in individuals affected with PSTPIP1-related conditions. Algorithms developed to predict the effect of sequence changes on RNA splicing suggest that this variant may disrupt the consensus splice site. In summary, the available evidence is currently insufficient to determine the role of this variant in disease. Therefore, it has been classified as a Variant of Uncertain Significance.

Literature cited by the submitters: PubMed 16199547.